The following is an entry in ClinVar:

NM_022124.6(CDH23):c.8239G>A (p.Val2747Met)

Gene: CDH23 (cadherin related 23; plus strand). Cytogenetic location: 10q22.1.
Variant type: single nucleotide variant.
Coding change: c.8239G>A on transcript NM_022124.6 (MANE Select); coding-DNA position 8239, G replaced by A.
Protein change: p.Val2747Met; replaces valine 2747 with methionine.
Molecular consequence: missense variant.
Genome position (GRCh38, 1-based): chr10:71,807,337, G>A. VCF-style: chr10-71807337-G-A. GRCh37 (hg19) VCF-style: chr10-73567094-G-A.
Other names: c.8239G>A (NM_022124.5); c.1519G>A, p.Val507Met (NM_001171933.1, NM_001171934.1); short protein forms V2747M, V507M.
Identifiers: ClinVar variation 2160873 (VCV002160873.3), dbSNP rs370616165, ClinGen allele CA5546585.

ClinVar aggregate classification (germline): Uncertain significance. Review status: criteria provided, multiple submitters, no conflicts (2 of 4 stars). 3 submissions from 3 submitters: Uncertain significance (3). Last evaluated 2025-11-14.

Conditions:
CDH23-related disorder. Also called: CDH23-related condition; CDH23-related disorders.

Allele frequency attached by ClinVar (database versions not stated): gnomAD exomes 0.00001; ExAC 0.00005; ESP Exome Variant Server 0.00008; gnomAD 0.00008; TOPMed 0.00008.
gnomAD v4.1: 33 of 1,613,738 alleles (0.002%); highest among the groups gnomAD compares: African/African-American, 0.019%; no homozygotes.

Submissions (3):

PreventionGenetics, part of Exact Sciences
Classification: Uncertain significance for CDH23-related condition. Last evaluated: 2025-11-14. Review status: criteria provided, single submitter. Criteria: ACMG Guidelines, 2015. Collection method: clinical testing. Allele origin: germline.
Comment: The CDH23 c.8239G>A variant is predicted to result in the amino acid substitution p.Val2747Met. This variant was reported in the heterozygous state an individual with sensorineural hearing loss (Gao et al. 2021. PubMed ID: 34403091). This variant is reported in 0.033% of alleles in individuals of African descent in gnomAD. At this time, the clinical significance of this variant is uncertain due to the absence of conclusive functional and genetic evidence.

GeneDx
Classification: Uncertain significance. Last evaluated: 2025-06-13. Review status: criteria provided, single submitter. Criteria: GeneDx Variant Classification Process June 2021. Collection method: clinical testing. Allele origin: germline. Affected: yes.
Comment: Identified in a patient with sensorineural hearing loss with vertigo in published literature (PMID: 34403091); In silico analysis suggests that this missense variant does not alter protein structure/function; This variant is associated with the following publications: (PMID: 34403091)

Labcorp Genetics (formerly Invitae), Labcorp
Classification: Uncertain significance. Last evaluated: 2022-07-19. Review status: criteria provided, single submitter. Criteria: Invitae Variant Classification Sherloc (09022015). Collection method: clinical testing. Allele origin: germline.
Comment: This sequence change replaces valine, which is neutral and non-polar, with methionine, which is neutral and non-polar, at codon 2747 of the CDH23 protein (p.Val2747Met). This variant is present in population databases (rs370616165, gnomAD 0.03%). This variant has not been reported in the literature in individuals affected with CDH23-related conditions. Algorithms developed to predict the effect of missense changes on protein structure and function are either unavailable or do not agree on the potential impact of this missense change (SIFT: "Deleterious"; PolyPhen-2: "Not Available"; Align-GVGD: "Class C0"). In summary, the available evidence is currently insufficient to determine the role of this variant in disease. Therefore, it has been classified as a Variant of Uncertain Significance.